The following is an entry in ClinVar:

ClinVar aggregate classification (germline): Pathogenic (1 of 4 stars; one submission).

Conditions:
Duchenne muscular dystrophy (DMD). Also called: MUSCULAR DYSTROPHY, PSEUDOHYPERTROPHIC PROGRESSIVE, DUCHENNE TYPE; Duchenne Muscular Dystrophy (DMD). Identifiers: Orphanet 98896, MedGen C0013264, MONDO:0010679, OMIM 310200.

Submission:

Labcorp Genetics (formerly Invitae), Labcorp
Classification: Pathogenic for Duchenne muscular dystrophy. Last evaluated: 2023-07-07. Review status: criteria provided, single submitter. Criteria: Invitae Variant Classification Sherloc (09022015). Collection method: clinical testing. Allele origin: unknown.
Comment: For these reasons, this variant has been classified as Pathogenic. A similar copy number variant has been observed in individuals with DMD-related dystrophinopathies (PMID: 12111668, 23299919). This variant results in a copy number gain of the genomic region encompassing exon(s) 53-55 of the DMD gene. While the exact position of this variant cannot be determined from the data, sub-genic copy number gains are generally in tandem (PMID: 25640679). This variant is predicted to be out-of-frame, and may result in an absent or disrupted protein product. Loss-of-function variants in DMD are known to be pathogenic (PMID: 16770791, 25007885).

Literature cited by the submitters: PubMed 12111668; PubMed 23299919; PubMed 25640679; PubMed 16770791; PubMed 25007885.

NC_000023.10:g.(?_31627738)_(31697723_?)dup

Gene: DMD (dystrophin; minus strand). Cytogenetic location: Xp21.1.
Variant type: Duplication.
Identifiers: ClinVar variation 3243253 (VCV003243253.1).